The following is an entry in ClinVar:

NM_015692.5(CPAMD8):c.5086G>A (p.Gly1696Ser)

Gene: CPAMD8 (C3 and PZP like alpha-2-macroglobulin domain containing 8; minus strand). Cytogenetic location: 19p13.11.
Variant type: single nucleotide variant.
Coding change: c.5086G>A on transcript NM_015692.5 (MANE Select); coding-DNA position 5086, G replaced by A.
Protein change: p.Gly1696Ser; replaces glycine 1696 with serine.
Molecular consequence: missense variant.
Genome position (GRCh38, 1-based): chr19:16,896,645, C>T on the plus strand (G>A on the coding strand, the complement: CPAMD8 is on the minus strand). VCF-style: chr19-16896645-C-T. GRCh37 (hg19) VCF-style: chr19-17007456-C-T.
Other names: short protein forms G1696S.
Identifiers: ClinVar variation 1945997 (VCV001945997.5), dbSNP rs1466820217, ClinGen allele CA404653500.

ClinVar aggregate classification (germline): Uncertain significance (1 of 4 stars; one submission).

Allele frequency attached by ClinVar (database versions not stated): gnomAD exomes 0.00002.
gnomAD v4.1: 8 of 1,476,746 alleles (0.00054%); highest among the groups gnomAD compares: Non-Finnish European, 0.00072%; no homozygotes.

Submission:

Labcorp Genetics (formerly Invitae), Labcorp
Classification: Uncertain significance. Last evaluated: 2021-12-27. Review status: criteria provided, single submitter. Criteria: Invitae Variant Classification Sherloc (09022015). Collection method: clinical testing. Allele origin: germline.
Comment: This sequence change replaces glycine, which is neutral and non-polar, with serine, which is neutral and polar, at codon 1743 of the CPAMD8 protein (p.Gly1743Ser). The frequency data for this variant in the population databases is considered unreliable, as metrics indicate poor data quality at this position in the gnomAD database. This variant has not been reported in the literature in individuals affected with CPAMD8-related conditions. Algorithms developed to predict the effect of missense changes on protein structure and function (SIFT, PolyPhen-2, Align-GVGD) all suggest that this variant is likely to be tolerated. In summary, the available evidence is currently insufficient to determine the role of this variant in disease. Therefore, it has been classified as a Variant of Uncertain Significance.